The following is an entry in ClinVar:

ClinVar aggregate classification (germline): Likely benign. Review status: criteria provided, multiple submitters, no conflicts (2 of 4 stars). 2 submissions from 2 submitters: Likely benign (2). Last evaluated 2026-07-06.

Conditions:
Rhabdoid tumor predisposition syndrome 2 (RTPS2). Identifiers: Orphanet 231108, Orphanet 69077, MedGen C2750074, MONDO:0013224, OMIM 613325.

Submissions (2):

Myriad Genetics, Inc.
Classification: Likely benign for Rhabdoid tumor predisposition syndrome 2. Last evaluated: 2026-07-06. Review status: criteria provided, single submitter. Criteria: Myriad Autosomal Dominant, Autosomal Recessive and X-Linked Classification Criteria (2023). Collection method: clinical testing. Allele origin: unknown.
Comment: This variant is considered likely benign. This variant is intronic and is not expected to impact mRNA splicing.

Labcorp Genetics (formerly Invitae), Labcorp
Classification: Likely benign for Rhabdoid tumor predisposition syndrome 2. Last evaluated: 2025-11-10. Review status: criteria provided, single submitter. Criteria: Invitae Variant Classification Sherloc (09022015). Collection method: clinical testing. Allele origin: germline.

NM_003072.5(SMARCA4):c.1119-11T>C

Gene: SMARCA4 (SWI/SNF related BAF chromatin remodeling complex subunit ATPase 4; plus strand). Cytogenetic location: 19p13.2.
Variant type: single nucleotide variant.
Coding change: c.1119-11T>C on transcript NM_003072.5 (MANE Select); 11 bases into the intron before coding-DNA position 1119, T replaced by C.
Molecular consequence: intron variant.
Genome position (GRCh38, 1-based): chr19:10,989,306, T>C. VCF-style: chr19-10989306-T-C. GRCh37 (hg19) VCF-style: chr19-11099982-T-C.
Other names: c.1119-11T>C (NM_001128844.3, NM_001128849.3, NM_001128847.4 and 6 more transcripts).
Identifiers: ClinVar variation 3698564 (VCV003698564.3).